The following is an entry in ClinVar:

NM_001080467.3(MYO5B):c.236A>G (p.Tyr79Cys)

Gene: MYO5B (myosin VB; minus strand). Cytogenetic location: 18q21.1.
Variant type: single nucleotide variant.
Coding change: c.236A>G on transcript NM_001080467.3 (MANE Select); coding-DNA position 236, A replaced by G.
Protein change: p.Tyr79Cys; replaces tyrosine 79 with cysteine.
Molecular consequence: missense variant.
Genome position (GRCh38, 1-based): chr18:50,040,217, T>C on the plus strand (A>G on the coding strand, the complement: MYO5B is on the minus strand). VCF-style: chr18-50040217-T-C. GRCh37 (hg19) VCF-style: chr18-47566587-T-C.
Other names: c.236A>G (NM_001080467.2); short protein forms Y79C.
Identifiers: ClinVar variation 1975458 (VCV001975458.4), dbSNP rs1598972786, ClinGen allele CA402510344.

ClinVar aggregate classification (germline): Uncertain significance. Review status: criteria provided, multiple submitters, no conflicts (2 of 4 stars). 3 submissions from 3 submitters: Uncertain significance (3). Last evaluated 2026-08-04.

Conditions:
Inborn genetic diseases. Identifiers: MedGen C0950123, MeSH D030342.
MYO5B-related disorder. Also called: MYO5B-related condition.

Allele frequency attached by ClinVar (database versions not stated): gnomAD 0.00001; gnomAD exomes 0.00001; TOPMed 0.00001.
gnomAD v4.1: 19 of 1,614,002 alleles (0.0012%); highest among the groups gnomAD compares: Admixed American, 0.0017%; no homozygotes.

Submissions (3):

PreventionGenetics, part of Exact Sciences
Classification: Uncertain significance for MYO5B-related condition. Last evaluated: 2026-08-04. Review status: criteria provided, single submitter. Criteria: ACMG Guidelines, 2015. Collection method: clinical testing. Allele origin: germline.
Comment: The MYO5B c.236A>G variant is predicted to result in the amino acid substitution p.Tyr79Cys. To our knowledge, this variant has not been reported in the literature or in a large population database (gnomAD), indicating this variant is rare. At this time, the clinical significance of this variant is uncertain due to the absence of conclusive functional and genetic evidence.

Ambry Genetics
Classification: Uncertain significance for Inborn genetic diseases. Last evaluated: 2025-06-09. Review status: criteria provided, single submitter. Criteria: Ambry Variant Classification Scheme 2023. Collection method: clinical testing. Allele origin: germline.

Labcorp Genetics (formerly Invitae), Labcorp
Classification: Uncertain significance. Last evaluated: 2022-03-20. Review status: criteria provided, single submitter. Criteria: Invitae Variant Classification Sherloc (09022015). Collection method: clinical testing. Allele origin: germline.
Comment: This sequence change replaces tyrosine, which is neutral and polar, with cysteine, which is neutral and slightly polar, at codon 79 of the MYO5B protein (p.Tyr79Cys). This variant is not present in population databases (gnomAD no frequency). This variant has not been reported in the literature in individuals affected with MYO5B-related conditions. Algorithms developed to predict the effect of missense changes on protein structure and function are either unavailable or do not agree on the potential impact of this missense change (SIFT: "Deleterious"; PolyPhen-2: "Probably Damaging"; Align-GVGD: "Class C0"). In summary, the available evidence is currently insufficient to determine the role of this variant in disease. Therefore, it has been classified as a Variant of Uncertain Significance.